The following is an entry in ClinVar:

NM_000170.3(GLDC):c.983G>T (p.Gly328Val)

Gene: GLDC (glycine decarboxylase; minus strand). Cytogenetic location: 9p24.1.
Variant type: single nucleotide variant.
Coding change: c.983G>T on transcript NM_000170.3 (MANE Select); coding-DNA position 983, G replaced by T.
Protein change: p.Gly328Val; replaces glycine 328 with valine.
Molecular consequence: missense variant.
Genome position (GRCh38, 1-based): chr9:6,604,663, C>A on the plus strand (G>T on the coding strand, the complement: GLDC is on the minus strand). VCF-style: chr9-6604663-C-A. GRCh37 (hg19) VCF-style: chr9-6604663-C-A.
Other names: short protein forms G328V.
Identifiers: ClinVar variation 4854446 (VCV004854446.1).

ClinVar aggregate classification (germline): Uncertain significance (1 of 4 stars; one submission).

Conditions:
Glycine encephalopathy 1 (GCE1). Identifiers: MedGen CN376801, MONDO:0958179, OMIM 605899.

Submission:

3billion
Classification: Uncertain significance for Glycine encephalopathy 1. Last evaluated: 2025-06-23. Review status: criteria provided, single submitter. Criteria: ACMG Guidelines, 2015. Collection method: clinical testing. Allele origin: germline. Affected: yes.
Comment: The variant is not observed in the gnomAD v4.1.0 dataset. Predicted Consequence/Location: Missense variant In silico tool predictions suggest damaging effect of the variant on gene or gene product [REVEL: 0.99 (>=0.6, sensitivity 0.68 and specificity 0.92); 3Cnet: 0.99 (> 0.75, sensitivity 0.96 and precision 0.92)]. Different missense changes at the same codon have been reported as of uncertain significance (ClinVar ID: VCV002087245). Therefore, this variant is classified as VUS according to the recommendation of ACMG/AMP guideline.